The following is an entry in ClinVar:

ClinVar aggregate classification (germline): Likely benign. Review status: criteria provided, multiple submitters, no conflicts (2 of 4 stars). 3 submissions from 3 submitters: Likely benign (3). Last evaluated 2026-07-27.

Conditions:
DMXL2-related disorder. Also called: DMXL2-related condition.

Allele frequency attached by ClinVar (database versions not stated): gnomAD exomes below 0.00001 and 0.00001; TOPMed below 0.00001.
gnomAD v4.1: 3 of 1,614,006 alleles (0.00019%); highest among the groups gnomAD compares: Admixed American, 0.0017%; no homozygotes.

Submissions (3):

PreventionGenetics, part of Exact Sciences
Classification: Likely benign for DMXL2-related condition. Last evaluated: 2026-07-27. Review status: criteria provided, single submitter. Criteria: ACMG Guidelines, 2015. Collection method: clinical testing. Allele origin: germline.
Comment: This variant is classified as likely benign based on ACMG/AMP sequence variant interpretation guidelines (Richards et al. 2015 PMID: 25741868, with internal and published modifications).

Women's Health and Genetics/Laboratory Corporation of America, LabCorp
Classification: Likely benign. Last evaluated: 2025-11-11. Review status: criteria provided, single submitter. Criteria: LabCorp Variant Classification Summary - May 2015. Collection method: clinical testing. Allele origin: germline.

Labcorp Genetics (formerly Invitae), Labcorp
Classification: Likely benign. Last evaluated: 2025-05-18. Review status: criteria provided, single submitter. Criteria: Invitae Variant Classification Sherloc (09022015). Collection method: clinical testing. Allele origin: germline.

NM_001378457.1(DMXL2):c.8034C>T (p.Ile2678=)

Gene: DMXL2 (Dmx like 2; minus strand). Cytogenetic location: 15q21.2.
Variant type: single nucleotide variant.
Coding change: c.8034C>T on transcript NM_001378457.1 (MANE Select); coding-DNA position 8034, C replaced by T.
Protein change: p.Ile2678=; no amino-acid change (isoleucine 2678 retained).
Molecular consequence: synonymous variant. On other transcripts: non-coding transcript variant (2).
Genome position (GRCh38, 1-based): chr15:51,458,751, G>A on the plus strand (C>T on the coding strand, the complement: DMXL2 is on the minus strand). VCF-style: chr15-51458751-G-A. GRCh37 (hg19) VCF-style: chr15-51750948-G-A.
Other names: c.7971C>T, p.Ile2657= (NM_001174116.3); c.6060C>T, p.Ile2020= (NM_001174117.3); c.8031C>T, p.Ile2677= (NM_001378458.1); c.7746C>T, p.Ile2582= (NM_001378459.1); c.5949C>T, p.Ile1983= (NM_001378460.1); c.7968C>T, p.Ile2656= (NM_015263.5).
Identifiers: ClinVar variation 756590 (VCV000756590.9), dbSNP rs1211279672, ClinGen allele CA490596320.